The following is an entry in ClinVar:

NM_000530.8(MPZ):c.641G>T (p.Arg214Leu)

Gene: MPZ (myelin protein zero; minus strand). Cytogenetic location: 1q23.3.
Variant type: single nucleotide variant.
Coding change: c.641G>T on transcript NM_000530.8 (MANE Select); coding-DNA position 641, G replaced by T.
Protein change: p.Arg214Leu; replaces arginine 214 with leucine.
Molecular consequence: missense variant.
Genome position (GRCh38, 1-based): chr1:161,306,112, C>A on the plus strand (G>T on the coding strand, the complement: MPZ is on the minus strand). VCF-style: chr1-161306112-C-A. GRCh37 (hg19) VCF-style: chr1-161275902-C-A.
Other names: c.641G>T, p.Arg214Leu (NM_001315491.2); short protein forms R214L.
Identifiers: ClinVar variation 2983691 (VCV002983691.3), dbSNP rs147718043, ClinGen allele CA343344611.
Genomic context (GRCh38, chr1:161,306,112, plus strand): 5'-CCGGCGGCTCCCAGGGTTCTCCTTCCCATCTTGTCTAGGCCCCAAGTCCCGCTAACCTGC[C>A]GCCCGCGCTTCGACGCGTCCTTTCCTGGCTTGTGCAATTTCCCCTTCTCCATAGCACTGC-3'
Protein context (NP_000521.2, residues 204-224): KPGKDASKRG[Arg214Leu]QTPVLYAMLD

ClinVar aggregate classification (germline): Uncertain significance (1 of 4 stars; one submission).

Conditions:
Charcot-Marie-Tooth disease, type I (CMT1). Also called: Charcot-Marie-Tooth, Type 1; Charcot-Marie-Tooth disease type 1. Identifiers: Orphanet 65753, MedGen C0751036, MONDO:0019011.

gnomAD v4.1: 5 of 1,614,250 alleles (0.00031%); highest among the groups gnomAD compares: South Asian, 0.0044%; no homozygotes.

Submission:

Labcorp Genetics (formerly Invitae), Labcorp
Classification: Uncertain significance for Charcot-Marie-Tooth disease, type I. Last evaluated: 2023-01-15. Review status: criteria provided, single submitter. Criteria: Invitae Variant Classification Sherloc (09022015). Collection method: clinical testing. Allele origin: germline.
Comment: In summary, the available evidence is currently insufficient to determine the role of this variant in disease. Therefore, it has been classified as a Variant of Uncertain Significance. Algorithms developed to predict the effect of missense changes on protein structure and function are either unavailable or do not agree on the potential impact of this missense change (SIFT: "Deleterious"; PolyPhen-2: "Probably Damaging"; Align-GVGD: "Class C0"). This variant has not been reported in the literature in individuals affected with MPZ-related conditions. This variant is not present in population databases (gnomAD no frequency). This sequence change replaces arginine, which is basic and polar, with leucine, which is neutral and non-polar, at codon 214 of the MPZ protein (p.Arg214Leu).